The following is an entry in ClinVar:

ClinVar aggregate classification (germline): Likely pathogenic (1 of 4 stars; one submission).

Conditions:
Autosomal recessive nonsyndromic hearing loss 1A (DFNB1A). Also called: GJB6-Related DFNB 1 Nonsyndromic Hearing Loss and Deafness; Deafness, autosomal recessive 1A; GJB2-Related Autosomal Recessive Nonsyndromic Hearing Loss; Connexin 26 deafness; Deafness nonsyndromic, Connexin 26 linked; Nonsyndromic Hearing Loss and Deafness, DFNB1. Identifiers: Orphanet 90636, MedGen C2673759, MONDO:0009076, OMIM 220290.

Submission:

Women's Health and Genetics/Laboratory Corporation of America, LabCorp
Classification: Likely pathogenic for Autosomal recessive nonsyndromic hearing loss 1A. Last evaluated: 2026-02-16. Review status: criteria provided, single submitter. Criteria: LabCorp Variant Classification Summary - May 2015. Collection method: clinical testing. Allele origin: germline.
Comment: Variant summary: GJB2 c.240G>T (p.Gln80His) results in a non-conservative amino acid change in the encoded protein sequence. Algorithms developed to predict the effect of missense changes on protein structure and function all suggest that this variant is likely to be disruptive. The variant was absent in 251406 control chromosomes. To our knowledge, no occurrence of c.240G>T in individuals affected with GJB2-related conditions and no experimental evidence demonstrating its impact on protein function have been reported. A different variant affecting the same codon has been classified as likely pathogenic (c.240G>C, p.Gln80His) by our lab in the context of autosomal recessive nonsyndromic deafness, supporting the critical relevance of codon 80 to GJB2 protein function. The following publications have been ascertained in the context of this evaluation (PMID: 34581455, 30473554, 36048236). No submitters have cited clinical-significance assessments for this variant to ClinVar. To our knowledge, this variant has not been reported in individuals with autosomal dominant GJB2-related conditions. Based on the evidence outlined above, the variant was classified as likely pathogenic for autosomal recessive nonsyndromic deafness.

Literature cited by the submitters: PubMed 36048236; PubMed 34581455; PubMed 30473554.

NM_004004.6(GJB2):c.240G>T (p.Gln80His)

Gene: GJB2 (gap junction protein beta 2; minus strand). Cytogenetic location: 13q12.11.
Variant type: single nucleotide variant.
Coding change: c.240G>T on transcript NM_004004.6 (MANE Select); coding-DNA position 240, G replaced by T.
Protein change: p.Gln80His; replaces glutamine 80 with histidine.
Molecular consequence: missense variant.
Genome position (GRCh38, 1-based): chr13:20,189,342, C>A on the plus strand (G>T on the coding strand, the complement: GJB2 is on the minus strand). VCF-style: chr13-20189342-C-A. GRCh37 (hg19) VCF-style: chr13-20763481-C-A.
Other names: short protein forms Q80H.
Identifiers: ClinVar variation 4847780 (VCV004847780.1).